The following is an entry in ClinVar:

ClinVar aggregate classification (germline): Pathogenic (1 of 4 stars; one submission).

Conditions:
Neurofibromatosis, type 1 (NF1). Also called: VON RECKLINGHAUSEN DISEASE; NEUROFIBROMATOSIS, TYPE I, SOMATIC; Peripheral type neurofibromatosis; Neurofibromatosis, type I. Identifiers: Orphanet 636, MedGen C0027831, MONDO:0018975, OMIM 162200. Disease mechanism: loss of function.

Submission:

Labcorp Genetics (formerly Invitae), Labcorp
Classification: Pathogenic for Neurofibromatosis, type 1. Last evaluated: 2015-11-05. Review status: criteria provided, single submitter. Criteria: Invitae Variant Classification Sherloc (09022015). Collection method: clinical testing. Allele origin: germline.
Comment: This sequence change deletes 1 nucleotide from exon 23 of the NF1 mRNA (c.3064delA), causing a frameshift at codon 1022. This creates a premature translational stop signal (p.Met1022*) and is expected to result in an absent or disrupted protein product. For these reasons, this variant has been classified as Pathogenic. While this particular variant has not been reported in the literature, truncating variants in NF1 are known to be pathogenic (PMID: 10712197, 23913538).

Literature cited by the submitters: PubMed 10712197; PubMed 23913538.

NM_001042492.3(NF1):c.3064del (p.Val1021_Met1022insTer)

Gene: NF1 (neurofibromin 1; plus strand). Cytogenetic location: 17q11.2.
Variant type: Deletion.
Coding change: c.3064del on transcript NM_001042492.3 (MANE Select); coding-DNA position 3064, one base deleted (A; older notation c.3064delA).
Protein change: p.Val1021_Met1022insTer.
Molecular consequence: nonsense. On other transcripts: frameshift variant (1).
Genome position (GRCh38, 1-based): chr17:31,230,333, A deleted; the last of 2 consecutive A bases (chr17:31,230,332-31,230,333); deleting either gives the same sequence. VCF-style (leftmost placement, unchanged base first): chr17-31230331-TA-T. GRCh37 (hg19) VCF-style: chr17-29557349-TA-T.
Other names: c.3064delA (NM_000267.3); c.3064delA, p.Met1022Terfs (NM_000267.4).
Identifiers: ClinVar variation 237545 (VCV000237545.5), dbSNP rs878853881, ClinGen allele CA10583490.